The following is an entry in ClinVar:

NM_001242882.2(NAXD):c.840-5C>T

Gene: NAXD (NAD(P)HX dehydratase; plus strand). Cytogenetic location: 13q34.
Variant type: single nucleotide variant.
Coding change: c.840-5C>T on transcript NM_001242882.2 (MANE Select); 5 bases into the intron before coding-DNA position 840, C replaced by T.
Molecular consequence: intron variant. On other transcripts: missense variant (1).
Genome position (GRCh38, 1-based): chr13:110,638,373, C>T. VCF-style: chr13-110638373-C-T. GRCh37 (hg19) VCF-style: chr13-111290720-C-T.
Other names: c.1025C>T, p.Pro342Leu (NM_018210.4); c.564-5C>T (NM_001242883.2); c.894-5C>T (NM_001242881.2); short protein forms P342L.
Identifiers: ClinVar variation 1506471 (VCV001506471.6), dbSNP rs759986192, ClinGen allele CA7051440.

ClinVar aggregate classification (germline): Uncertain significance (1 of 4 stars; one submission).

Allele frequency attached by ClinVar (database versions not stated): TOPMed 0.00001; ExAC 0.00002; gnomAD exomes 0.00002; gnomAD 0.00004 and 0.00005.
gnomAD v4.1: 39 of 1,613,756 alleles (0.0024%); highest among the groups gnomAD compares: East Asian, 0.0045%; no homozygotes.

Submission:

Labcorp Genetics (formerly Invitae), Labcorp
Classification: Uncertain significance. Last evaluated: 2021-12-02. Review status: criteria provided, single submitter. Criteria: Invitae Variant Classification Sherloc (09022015). Collection method: clinical testing. Allele origin: germline.
Comment: In summary, the available evidence is currently insufficient to determine the role of this variant in disease. Therefore, it has been classified as a Variant of Uncertain Significance. Algorithms developed to predict the effect of missense changes on protein structure and function output the following: SIFT: "Tolerated"; PolyPhen-2: "Benign"; Align-GVGD: "Class C0". The leucine amino acid residue is found in multiple mammalian species, which suggests that this missense change does not adversely affect protein function. This variant has not been reported in the literature in individuals affected with NAXD-related conditions. This variant is present in population databases (rs759986192, gnomAD 0.004%). This sequence change replaces proline, which is neutral and non-polar, with leucine, which is neutral and non-polar, at codon 342 of the NAXD protein (p.Pro342Leu).